The following is an entry in ClinVar:

NM_005733.3(KIF20A):c.255+4A>G

Gene: KIF20A (kinesin family member 20A; plus strand). Cytogenetic location: 5q31.2.
Variant type: single nucleotide variant.
Coding change: c.255+4A>G on transcript NM_005733.3 (MANE Select); 4 bases into the intron after coding-DNA position 255, A replaced by G.
Molecular consequence: intron variant.
Genome position (GRCh38, 1-based): chr5:138,181,515, A>G. VCF-style: chr5-138181515-A-G. GRCh37 (hg19) VCF-style: chr5-137517204-A-G.
Identifiers: ClinVar variation 4753315 (VCV004753315.1).

ClinVar aggregate classification (germline): Uncertain significance (1 of 4 stars; one submission).

gnomAD v4.1: 55 of 1,614,100 alleles (0.0034%); highest among the groups gnomAD compares: East Asian, 0.0067%; no homozygotes.

Submission:

Labcorp Genetics (formerly Invitae), Labcorp
Classification: Uncertain significance. Last evaluated: 2025-11-22. Review status: criteria provided, single submitter. Criteria: Invitae Variant Classification Sherloc (09022015). Collection method: clinical testing. Allele origin: germline.
Comment: This sequence change falls in intron 3 of the KIF20A gene. It does not directly change the encoded amino acid sequence of the KIF20A protein. It affects a nucleotide within the consensus splice site. This variant is present in population databases (rs771147897, gnomAD 0.005%). This variant has not been reported in the literature in individuals affected with KIF20A-related conditions. Variants that disrupt the consensus splice site are a relatively common cause of aberrant splicing (PMID: 17576681, 9536098). Algorithms developed to predict the effect of sequence changes on RNA splicing suggest that this variant is not likely to affect RNA splicing. In summary, the available evidence is currently insufficient to determine the role of this variant in disease. Therefore, it has been classified as a Variant of Uncertain Significance.

Literature cited by the submitters: PubMed 17576681; PubMed 9536098.